The following is an entry in ClinVar:

NM_000268.4(NF2):c.115A>G (p.Met39Val)

Gene: NF2 (NF2, moesin-ezrin-radixin like (MERLIN) tumor suppressor; plus strand). Cytogenetic location: 22q12.2.
Variant type: single nucleotide variant.
Coding change: c.115A>G on transcript NM_000268.4 (MANE Select); coding-DNA position 115, A replaced by G.
Protein change: p.Met39Val; replaces methionine 39 with valine.
Molecular consequence: missense variant. On other transcripts: non-coding transcript variant (1), intron variant (3).
Genome position (GRCh38, 1-based): chr22:29,636,751, A>G. VCF-style: chr22-29636751-A-G. GRCh37 (hg19) VCF-style: chr22-30032740-A-G.
Other names: c.115A>G, p.Met39Val (NM_016418.5, NM_181825.3, NM_181829.3 and 2 more transcripts); c.115-2339A>G (NM_181828.3); c.115-5451A>G (NM_181830.3, NM_181831.3); short protein forms M39V.
Identifiers: ClinVar variation 966633 (VCV000966633.13), dbSNP rs761188569, ClinGen allele CA031138.

ClinVar aggregate classification (germline): Uncertain significance. Review status: criteria provided, multiple submitters, no conflicts (2 of 4 stars). 2 submissions from 2 submitters: Uncertain significance (2). Last evaluated 2025-11-17.

Conditions:
Hereditary cancer-predisposing syndrome. Also called: Tumor predisposition; Hereditary Cancer Syndrome; Neoplastic Syndromes, Hereditary; Hereditary neoplastic syndrome. Identifiers: Orphanet 140162, MedGen C0027672, MeSH D009386, MONDO:0015356.
Neurofibromatosis, type 2 (SWNV). Also called: BILATERAL ACOUSTIC NEUROFIBROMATOSIS; SCHWANNOMATOSIS, VESTIBULAR; NF2-Related Schwannomatosis. Identifiers: Orphanet 637, MedGen C0027832, MONDO:0007039, OMIM 101000. Disease mechanism: loss of function.

Allele frequency attached by ClinVar (database versions not stated): ExAC 0.00001.

Submissions (2):

Labcorp Genetics (formerly Invitae), Labcorp
Classification: Uncertain significance for Neurofibromatosis, type 2. Last evaluated: 2025-11-17. Review status: criteria provided, single submitter. Criteria: Invitae Variant Classification Sherloc (09022015). Collection method: clinical testing. Allele origin: germline.
Comment: This sequence change replaces methionine, which is neutral and non-polar, with valine, which is neutral and non-polar, at codon 39 of the NF2 protein (p.Met39Val). This variant is not present in population databases (gnomAD no frequency). This variant has not been reported in the literature in individuals affected with NF2-related conditions. ClinVar contains an entry for this variant (Variation ID: 966633). An algorithm developed to predict the effect of missense changes on protein structure and function (PolyPhen-2) suggests that this variant is likely to be tolerated. In summary, the available evidence is currently insufficient to determine the role of this variant in disease. Therefore, it has been classified as a Variant of Uncertain Significance.

Ambry Genetics
Classification: Uncertain significance for Hereditary cancer-predisposing syndrome. Last evaluated: 2024-12-29. Review status: criteria provided, single submitter. Criteria: Ambry Variant Classification Scheme 2023. Collection method: clinical testing. Allele origin: germline.
Comment: The p.M39V variant (also known as c.115A>G) is located in coding exon 2 of the NF2 gene. The methionine at codon 39 is replaced by valine, an amino acid with highly similar properties. This change occurs in the first base pair of coding exon 2. This amino acid position is well conserved in available vertebrate species. In addition, this alteration is predicted to be tolerated by in silico analysis. Since supporting evidence is limited at this time, the clinical significance of this alteration remains unclear.